The following is an entry in ClinVar:

ClinVar aggregate classification (germline): Uncertain significance (1 of 4 stars; one submission).

Conditions:
Hereditary cancer-predisposing syndrome. Also called: Neoplastic Syndromes, Hereditary; Tumor predisposition; Hereditary neoplastic syndrome; Hereditary Cancer Syndrome. Identifiers: Orphanet 140162, MedGen C0027672, MeSH D009386, MONDO:0015356.

Submission:

Ambry Genetics
Classification: Uncertain significance for Hereditary cancer-predisposing syndrome. Last evaluated: 2026-07-07. Review status: criteria provided, single submitter. Criteria: Ambry Variant Classification Scheme 2023. Collection method: clinical testing. Allele origin: germline.
Comment: The p.P202S variant (also known as c.604C>T), located in coding exon 3 of the PHOX2B gene, results from a C to T substitution at nucleotide position 604. The proline at codon 202 is replaced by serine, an amino acid with similar properties. This amino acid position is conserved. In addition, this alteration is predicted to be tolerated by in silico analysis. Based on the available evidence, the clinical significance of this variant remains unclear.

NM_003924.4(PHOX2B):c.604C>T (p.Pro202Ser)

Gene: PHOX2B (paired like homeobox 2B; minus strand). Cytogenetic location: 4p13.
Variant type: single nucleotide variant.
Coding change: c.604C>T on transcript NM_003924.4 (MANE Select); coding-DNA position 604, C replaced by T.
Protein change: p.Pro202Ser; replaces proline 202 with serine.
Molecular consequence: missense variant.
Genome position (GRCh38, 1-based): chr4:41,746,148, G>A on the plus strand (C>T on the coding strand, the complement: PHOX2B is on the minus strand). VCF-style: chr4-41746148-G-A. GRCh37 (hg19) VCF-style: chr4-41748165-G-A.
Other names: short protein forms P202S.
Identifiers: ClinVar variation 5026607 (VCV005026607.1).
Genomic context (GRCh38, chr4:41,746,148, plus strand): 5'-CAGCCGGGCTGGGCCCGCCGCCGCCGCCTCCATTCGCCCCGCAGCTGGGGGTGGGGTTGG[G>A]ATTGGGACCTGGGCCCCCAGTGCTGTCCGGGTCAGTGCTCTTGGCCTCTTTGCTCTCGTC-3'
Protein context (NP_003915.2, residues 192-212): PDSTGGPGPN[Pro202Ser]NPTPSCGANG